The following is an entry in ClinVar:

ClinVar aggregate classification (germline): Uncertain significance (1 of 4 stars; one submission).

Submission:

GeneDx
Classification: Uncertain significance. Last evaluated: 2024-09-23. Review status: criteria provided, single submitter. Criteria: GeneDx Variant Classification Process June 2021. Collection method: clinical testing. Allele origin: germline. Affected: yes.
Comment: Not observed at significant frequency in large population cohorts (gnomAD); In silico analysis supports that this missense variant has a deleterious effect on protein structure/function; Has not been previously published as pathogenic or benign to our knowledge

NM_003336.4(UBE2A):c.320C>G (p.Thr107Arg)

Gene: UBE2A (ubiquitin conjugating enzyme E2 A; plus strand). Cytogenetic location: Xq24.
Variant type: single nucleotide variant.
Coding change: c.320C>G on transcript NM_003336.4 (MANE Select); coding-DNA position 320, C replaced by G.
Protein change: p.Thr107Arg; replaces threonine 107 with arginine.
Molecular consequence: missense variant.
Genome position (GRCh38, 1-based): chrX:119,582,666, C>G. VCF-style: chrX-119582666-C-G. GRCh37 (hg19) VCF-style: chrX-118716629-C-G.
Other names: c.221C>G, p.Thr74Arg (NM_001282161.2); c.230C>G, p.Thr77Arg (NM_181762.3); short protein forms T107R, T74R, T77R.
Identifiers: ClinVar variation 3774139 (VCV003774139.1).